The following is an entry in ClinVar:

NM_001447.3(FAT2):c.11906-13_11906-11del

Genes: FAT2 (FAT atypical cadherin 2; minus strand), SLC36A1 (solute carrier family 36 member 1; plus strand). Cytogenetic location: 5q33.1.
Variant type: Microsatellite.
Coding change: c.11906-13_11906-11del on transcript NM_001447.3 (MANE Select); 13 bases into the intron before coding-DNA position 11906 through 11 bases into the intron before coding-DNA position 11906, 3 bases deleted (CTT; older notation c.11906-13_11906-11delCTT).
Molecular consequence: intron variant.
Genome position (GRCh38, 1-based): chr5:151,510,185-151,510,187, AAG deleted on the plus strand (CTT on the coding strand, the reverse complement: FAT2 is on the minus strand); deleting any 3 consecutive bases within chr5:151,510,185-151,510,190 gives the same sequence; the c. name uses the placement nearest the transcript's 3' end. VCF-style (leftmost placement, unchanged base first): chr5-151510184-AAAG-A. GRCh37 (hg19) VCF-style: chr5-150889745-AAAG-A.
Other names: NC_000005.9:g.150889749_150889751del; c.11906-16_11906-14del (NM_001447.3).
Identifiers: ClinVar variation 1987016 (VCV001987016.18), dbSNP rs56280203, ClinGen allele CA3519904.

ClinVar aggregate classification (germline): Benign. Review status: criteria provided, multiple submitters, no conflicts (2 of 4 stars). 2 submissions from 2 submitters: Benign (2). Last evaluated 2026-01-25.

Submissions (3):

Labcorp Genetics (formerly Invitae), Labcorp
Classification: Benign. Last evaluated: 2026-01-25. Review status: criteria provided, single submitter. Criteria: Invitae Variant Classification Sherloc (09022015). Collection method: clinical testing. Allele origin: germline.

CeGaT Center for Human Genetics Tuebingen
Classification: Benign. Last evaluated: 2024-12-01. Review status: criteria provided, single submitter. Criteria: CeGaT Center For Human Genetics Tuebingen Variant Classification Criteria Version 2. Collection method: clinical testing. Allele origin: germline. Affected: yes. Observed: 2 variant alleles.
Comment: ENSG00000271795: BS1, BS2

Dr. Peter K. Rogan Lab, Western University
No classification provided (evidence only). Condition: Nonpapillary renal cell carcinoma. Review status: no classification provided. Collection method: in vitro. Allele origin: not applicable. Functional consequence: retained intron. Not counted in ClinVar's aggregate classification.